The following is an entry in ClinVar:

ClinVar aggregate classification (germline): Likely benign. Review status: criteria provided, multiple submitters, no conflicts (2 of 4 stars). 2 submissions from 2 submitters: Likely benign (2). Last evaluated 2026-08-01.

Allele frequency attached by ClinVar (database versions not stated): gnomAD exomes below 0.00001; TOPMed below 0.00001; ExAC 0.00006.
gnomAD v4.1: 5 of 1,600,608 alleles (0.00031%); highest among the groups gnomAD compares: Admixed American, 0.0069%; no homozygotes.

Submissions (2):

CeGaT Center for Human Genetics Tuebingen
Classification: Likely benign. Last evaluated: 2026-08-01. Review status: criteria provided, single submitter. Criteria: CeGaT Center For Human Genetics Tuebingen Variant Classification Criteria Version 2. Collection method: clinical testing. Allele origin: germline. Affected: yes. Observed: 1 variant allele.
Comment: RIMS1: BP4, BP7

Labcorp Genetics (formerly Invitae), Labcorp
Classification: Likely benign. Last evaluated: 2025-01-27. Review status: criteria provided, single submitter. Criteria: Invitae Variant Classification Sherloc (09022015). Collection method: clinical testing. Allele origin: germline.

NM_014989.7(RIMS1):c.1548G>A (p.Pro516=)

Gene: RIMS1 (regulating synaptic membrane exocytosis 1; plus strand). Cytogenetic location: 6q13.
Variant type: single nucleotide variant.
Coding change: c.1548G>A on transcript NM_014989.7 (MANE Select); coding-DNA position 1548, G replaced by A.
Protein change: p.Pro516=; no amino-acid change (proline 516 retained).
Molecular consequence: synonymous variant.
Genome position (GRCh38, 1-based): chr6:72,183,019, G>A. VCF-style: chr6-72183019-G-A. GRCh37 (hg19) VCF-style: chr6-72892722-G-A.
Identifiers: ClinVar variation 1637538 (VCV001637538.9), dbSNP rs760326366, ClinGen allele CA3885723.